The following is an entry in ClinVar:

ClinVar aggregate classification (germline): Uncertain significance (1 of 4 stars; one submission).

Allele frequency attached by ClinVar (database versions not stated): gnomAD exomes below 0.00001.
gnomAD v4.1: 2 of 1,613,848 alleles (0.00012%); highest among the groups gnomAD compares: Non-Finnish European, 0.00017%; no homozygotes.

Submission:

Labcorp Genetics (formerly Invitae), Labcorp
Classification: Uncertain significance. Last evaluated: 2023-08-14. Review status: criteria provided, single submitter. Criteria: Invitae Variant Classification Sherloc (09022015). Collection method: clinical testing. Allele origin: germline.
Comment: In summary, the available evidence is currently insufficient to determine the role of this variant in disease. Therefore, it has been classified as a Variant of Uncertain Significance. An algorithm developed to predict the effect of missense changes on protein structure and function (PolyPhen-2) suggests that this variant is likely to be tolerated. This variant has not been reported in the literature in individuals affected with H4C3-related conditions. This variant is not present in population databases (gnomAD no frequency). This sequence change replaces threonine, which is neutral and polar, with alanine, which is neutral and non-polar, at codon 55 of the H4C3 protein (p.Thr55Ala).

NM_003542.4(H4C3):c.163A>G (p.Thr55Ala)

Gene: H4C3 (H4 clustered histone 3; plus strand). Cytogenetic location: 6p22.2.
Variant type: single nucleotide variant.
Coding change: c.163A>G on transcript NM_003542.4 (MANE Select); coding-DNA position 163, A replaced by G.
Protein change: p.Thr55Ala; replaces threonine 55 with alanine.
Molecular consequence: missense variant.
Genome position (GRCh38, 1-based): chr6:26,104,110, A>G. VCF-style: chr6-26104110-A-G. GRCh37 (hg19) VCF-style: chr6-26104338-A-G.
Other names: short protein forms T55A.
Identifiers: ClinVar variation 2752352 (VCV002752352.3), dbSNP rs2481656365, ClinGen allele CA363181154.